The following is an entry in ClinVar:

ClinVar aggregate classification (germline): Uncertain significance (1 of 4 stars; one submission).

Submission:

GeneDx
Classification: Uncertain significance. Last evaluated: 2026-01-30. Review status: criteria provided, single submitter. Criteria: GeneDx Variant Classification Process June 2021. Collection method: clinical testing. Allele origin: germline.
Comment: In silico analysis supports that this missense variant has a deleterious effect on protein structure/function; Has not been previously published as pathogenic or benign to our knowledge

NM_020791.4(TAOK1):c.1392G>A (p.Met464Ile)

Gene: TAOK1 (TAO kinase 1; plus strand). Cytogenetic location: 17q11.2.
Variant type: single nucleotide variant.
Coding change: c.1392G>A on transcript NM_020791.4 (MANE Select); coding-DNA position 1392, G replaced by A.
Protein change: p.Met464Ile; replaces methionine 464 with isoleucine.
Molecular consequence: missense variant.
Genome position (GRCh38, 1-based): chr17:29,507,949, G>A. VCF-style: chr17-29507949-G-A. GRCh37 (hg19) VCF-style: chr17-27834967-G-A.
Other names: c.1392G>A, p.Met464Ile (NM_025142.1); short protein forms M464I.
Identifiers: ClinVar variation 4975805 (VCV004975805.1).